The following is an entry in ClinVar:

NM_000085.5(CLCNKB):c.231G>A (p.Ala77=)

Genes: CLCNKB (chloride voltage-gated channel Kb; plus strand), LOC106501713 (CLCNKB recombination region; plus strand). Cytogenetic location: 1p36.13.
Variant type: single nucleotide variant.
Coding change: c.231G>A on transcript NM_000085.5 (MANE Select); coding-DNA position 231, G replaced by A.
Protein change: p.Ala77=; no amino-acid change (alanine 77 retained).
Molecular consequence: synonymous variant.
Genome position (GRCh38, 1-based): chr1:16,046,536, G>A. VCF-style: chr1-16046536-G-A. GRCh37 (hg19) VCF-style: chr1-16373031-G-A.
Identifiers: ClinVar variation 724715 (VCV000724715.24), dbSNP rs143215915, ClinGen allele CA623240.

ClinVar aggregate classification (germline): Benign/Likely benign. Review status: criteria provided, multiple submitters, no conflicts (2 of 4 stars). 3 submissions from 3 submitters: Benign (1); Likely benign (2). Last evaluated 2026-07-01.

Allele frequency attached by ClinVar (database versions not stated): gnomAD 0.00125 and 0.00130; ESP Exome Variant Server 0.00138; TOPMed 0.00138; 1000 Genomes Project 0.00140; 1000 Genomes Project 30x 0.00141.
gnomAD v4.1: 3,387 of 1,613,830 alleles (0.21%); highest among the groups gnomAD compares: South Asian, 0.34%; 18 homozygotes.

Submissions (3):

CeGaT Center for Human Genetics Tuebingen
Classification: Likely benign. Last evaluated: 2026-07-01. Review status: criteria provided, single submitter. Criteria: CeGaT Center For Human Genetics Tuebingen Variant Classification Criteria Version 2. Collection method: clinical testing. Allele origin: germline. Affected: yes. Observed: 4 variant alleles.
Comment: CLCNKB: BP4, BP7, BS2

Labcorp Genetics (formerly Invitae), Labcorp
Classification: Benign. Last evaluated: 2026-01-08. Review status: criteria provided, single submitter. Criteria: Invitae Variant Classification Sherloc (09022015). Collection method: clinical testing. Allele origin: germline.

Blueprint Genetics
Classification: Likely benign. Last evaluated: 2024-11-18. Review status: criteria provided, single submitter. Criteria: ACMG Guidelines, 2015. Collection method: clinical testing. Allele origin: germline.